The following is an entry in ClinVar:

ClinVar aggregate classification (germline): Conflicting classifications of pathogenicity. Review status: criteria provided, conflicting classifications (1 of 4 stars). 3 submissions from 3 submitters: Uncertain significance (2); Likely benign (1). Last evaluated 2025-12-11.

Conditions:
Inborn genetic diseases. Identifiers: MedGen C0950123, MeSH D030342.
Sotos syndrome (SOTOS). Also called: Distinctive facial appearance, overgrowth in childhood, and learning disabilities or delayed development; SOTOS SYNDROME 1; CHROMOSOME 5q35 DELETION SYNDROME; CEREBRAL GIGANTISM; Sotos' syndrome. Identifiers: Orphanet 821, MedGen C0175695, MONDO:0019349, OMIM 117550.

gnomAD v4.1: 13 of 1,614,052 alleles (0.00081%); highest among the groups gnomAD compares: Admixed American, 0.005%; no homozygotes.

Submissions (3):

Labcorp Genetics (formerly Invitae), Labcorp
Classification: Uncertain significance. Last evaluated: 2025-12-11. Review status: criteria provided, single submitter. Criteria: Invitae Variant Classification Sherloc (09022015). Collection method: clinical testing. Allele origin: germline.
Comment: This sequence change replaces valine, which is neutral and non-polar, with isoleucine, which is neutral and non-polar, at codon 2131 of the NSD1 protein (p.Val2131Ile). This variant is present in population databases (rs778896589, gnomAD 0.009%). This variant has not been reported in the literature in individuals affected with NSD1-related conditions. ClinVar contains an entry for this variant (Variation ID: 3592061). Invitae Evidence Modeling of protein sequence and biophysical properties (such as structural, functional, and spatial information, amino acid conservation, physicochemical variation, residue mobility, and thermodynamic stability) indicates that this missense variant is expected to disrupt NSD1 protein function with a positive predictive value of 95%. In summary, the available evidence is currently insufficient to determine the role of this variant in disease. Therefore, it has been classified as a Variant of Uncertain Significance.

Ambry Genetics
Classification: Likely benign for Inborn genetic diseases. Last evaluated: 2025-11-10. Review status: criteria provided, single submitter. Criteria: Ambry Variant Classification Scheme 2023. Collection method: clinical testing. Allele origin: germline.

Fulgent Genetics
Classification: Uncertain significance for Sotos syndrome. Last evaluated: 2024-05-16. Review status: criteria provided, single submitter. Criteria: ACMG Guidelines, 2015. Collection method: clinical testing. Allele origin: germline.

NM_022455.5(NSD1):c.6391G>A (p.Val2131Ile)

Gene: NSD1 (nuclear receptor binding SET domain protein 1; plus strand). Cytogenetic location: 5q35.3.
Variant type: single nucleotide variant.
Coding change: c.6391G>A on transcript NM_022455.5 (MANE Select); coding-DNA position 6391, G replaced by A.
Protein change: p.Val2131Ile; replaces valine 2131 with isoleucine.
Molecular consequence: missense variant.
Genome position (GRCh38, 1-based): chr5:177,292,086, G>A. VCF-style: chr5-177292086-G-A. GRCh37 (hg19) VCF-style: chr5-176719087-G-A.
Other names: c.5518G>A, p.Val1840Ile (NM_001365684.2, NM_001409308.1, NM_172349.5); c.6391G>A, p.Val2131Ile (NM_001409301.1, NM_001409302.1, NM_001409303.1); c.5971G>A, p.Val1991Ile (NM_001409304.1); c.5638G>A, p.Val1880Ile (NM_001409305.1); c.5629G>A, p.Val1877Ile (NM_001409306.1, NM_001409307.1); c.5269G>A, p.Val1757Ile (NM_001409309.1); short protein forms V1877I, V1880I, V1991I, V2131I, V1757I, V1840I.
Identifiers: ClinVar variation 3592061 (VCV003592061.3).